The following is an entry in ClinVar:

NM_000548.5(TSC2):c.2942G>T (p.Ser981Ile)

Gene: TSC2 (TSC complex subunit 2; plus strand). Cytogenetic location: 16p13.3.
Variant type: single nucleotide variant.
Coding change: c.2942G>T on transcript NM_000548.5 (MANE Select); coding-DNA position 2942, G replaced by T.
Protein change: p.Ser981Ile; replaces serine 981 with isoleucine.
Molecular consequence: missense variant. On other transcripts: intron variant (31).
Genome position (GRCh38, 1-based): chr16:2,077,702, G>T. VCF-style: chr16-2077702-G-T. GRCh37 (hg19) VCF-style: chr16-2127703-G-T.
Other names: c.2837+1117G>T (NM_001370404.1, NM_001077183.3, NM_021055.3 and 3 more transcripts); c.1493+1117G>T (NM_001406694.1, NM_001406695.1, NM_001406696.1 and 5 more transcripts); c.2825+1117G>T (NM_001406671.1, NM_001406673.1); c.2375+1117G>T (NM_001406681.1); c.2726+1117G>T (NM_001318827.2, NM_001406678.1); c.2237+1117G>T (NM_001406685.1, NM_001318831.2, NM_001406688.1 and 2 more transcripts); c.2780+1117G>T (NM_001406677.1); c.2690+1117G>T (NM_001318829.2, NM_001406679.1); and 8 more; short protein forms S533I, S781I, S932I, S944I, S981I.
Identifiers: ClinVar variation 3386170 (VCV003386170.2).

ClinVar aggregate classification (germline): Uncertain significance. Review status: criteria provided, multiple submitters, no conflicts (2 of 4 stars). 2 submissions from 2 submitters: Uncertain significance (2). Last evaluated 2026-07-18.

Conditions:
Tuberous sclerosis syndrome (TSC). Also called: Tuberous Sclerosis Complex; Tuberous sclerosis. Identifiers: Orphanet 805, MedGen C0041341, MONDO:0001734.
Hereditary cancer-predisposing syndrome. Also called: Tumor predisposition; Hereditary Cancer Syndrome; Hereditary neoplastic syndrome; Neoplastic Syndromes, Hereditary. Identifiers: Orphanet 140162, MedGen C0027672, MeSH D009386, MONDO:0015356.

gnomAD v4.1: 1 of 1,613,010 alleles (0.000062%); highest among the groups gnomAD compares: Non-Finnish European, 0.000085%; no homozygotes.

Submissions (2):

Ambry Genetics
Classification: Uncertain significance for Hereditary cancer-predisposing syndrome. Last evaluated: 2026-07-18. Review status: criteria provided, single submitter. Criteria: Ambry Variant Classification Scheme 2023. Collection method: clinical testing. Allele origin: germline.
Comment: The p.S981I variant (also known as c.2942G>T), located in coding exon 25 of the TSC2 gene, results from a G to T substitution at nucleotide position 2942. The serine at codon 981 is replaced by isoleucine, an amino acid with dissimilar properties. This amino acid position is conserved. In addition, this alteration is predicted to be deleterious by in silico analysis. Based on the available evidence, the clinical significance of this variant remains unclear.

All of Us Research Program, National Institutes of Health
Classification: Uncertain significance for Tuberous sclerosis syndrome. Last evaluated: 2024-07-29. Review status: criteria provided, single submitter. Criteria: ACMG Guidelines, 2015. Collection method: clinical testing. Allele origin: germline. Inheritance: Autosomal dominant inheritance. Observed: 1 variant allele, 1 heterozygote.
Comment: This missense variant replaces serine with isoleucine at codon 981 of the TSC2 protein. Computational prediction is inconclusive regarding the impact of this variant on protein structure and function (internally defined REVEL score threshold 0.5 < inconclusive < 0.7, PMID: 27666373). To our knowledge, functional studies have not been reported for this variant. This variant has not been reported in individuals affected with TSC2-related disorders in the literature. This variant has not been identified in the general population by the Genome Aggregation Database (gnomAD). The available evidence is insufficient to determine the role of this variant in disease conclusively. Therefore, this variant is classified as a Variant of Uncertain Significance.

This study involves interpretation of variants in research participants for the purpose of population health screening. Participant phenotype was not available at the time of variant classification. Additional details can be found in publication PMID: 35346344, PMCID: PMC8962531